The following is an entry in ClinVar:

NM_000535.7(PMS2):c.2572G>A (p.Val858Ile)

Gene: PMS2 (PMS1 homolog 2, mismatch repair system component; minus strand). Cytogenetic location: 7p22.1.
Variant type: single nucleotide variant.
Coding change: c.2572G>A on transcript NM_000535.7 (MANE Select); coding-DNA position 2572, G replaced by A.
Protein change: p.Val858Ile; replaces valine 858 with isoleucine.
Molecular consequence: missense variant. On other transcripts: non-coding transcript variant (1).
Genome position (GRCh38, 1-based): chr7:5,973,416, C>T on the plus strand (G>A on the coding strand, the complement: PMS2 is on the minus strand). VCF-style: chr7-5973416-C-T. GRCh37 (hg19) VCF-style: chr7-6013047-C-T.
Other names: c.2011G>A, p.Val671Ile (NM_001322010.2); c.1639G>A, p.Val547Ile (NM_001322011.2, NM_001322012.2); c.2605G>A, p.Val869Ile (NM_001322014.2); c.2263G>A, p.Val755Ile (NM_001322015.2); c.1999G>A, p.Val667Ile (NM_001322013.2); c.2167G>A, p.Val723Ile (NM_001322003.2, NM_001322004.2, NM_001322005.2); c.2416G>A, p.Val806Ile (NM_001322006.2); c.2254G>A, p.Val752Ile (NM_001322007.2, NM_001322008.2); and 1 more; short protein forms V858I, V547I, V671I, V734I, V752I, V667I, V723I, V755I.
Identifiers: ClinVar variation 480327 (VCV000480327.12), dbSNP rs368036201, ClinGen allele CA048936.

ClinVar aggregate classification (germline): Uncertain significance. Review status: criteria provided, multiple submitters, no conflicts (2 of 4 stars). 4 submissions from 4 submitters: Uncertain significance (4). Last evaluated 2025-04-17.

Conditions:
Hereditary nonpolyposis colorectal neoplasms. Identifiers: MedGen C0009405, MeSH D003123.
Hereditary cancer-predisposing syndrome. Also called: Hereditary Cancer Syndrome; Neoplastic Syndromes, Hereditary; Tumor predisposition; Hereditary neoplastic syndrome. Identifiers: Orphanet 140162, MedGen C0027672, MeSH D009386, MONDO:0015356.

Allele frequency attached by ClinVar (database versions not stated): gnomAD exomes below 0.00001; TOPMed below 0.00001; ExAC 0.00002; ESP Exome Variant Server 0.00016.
gnomAD v4.1: 2 of 1,008,724 alleles (0.0002%); highest among the groups gnomAD compares: Non-Finnish European, 0.00015%; no homozygotes.

Submissions (4):

Ambry Genetics
Classification: Uncertain significance for Hereditary cancer-predisposing syndrome. Last evaluated: 2025-04-17. Review status: criteria provided, single submitter. Criteria: Ambry Variant Classification Scheme 2023. Collection method: clinical testing. Allele origin: germline.
Comment: The p.V858I variant (also known as c.2572G>A), located in coding exon 15 of the PMS2 gene, results from a G to A substitution at nucleotide position 2572. The valine at codon 858 is replaced by isoleucine, an amino acid with highly similar properties. This amino acid position is not well conserved in available vertebrate species. In addition, this alteration is predicted to be tolerated by in silico analysis. Based on the available evidence, the clinical significance of this alteration remains unclear.

Women's Health and Genetics/Laboratory Corporation of America, LabCorp
Classification: Uncertain significance. Last evaluated: 2024-04-29. Review status: criteria provided, single submitter. Criteria: LabCorp Variant Classification Summary - May 2015. Collection method: clinical testing. Allele origin: germline.

Labcorp Genetics (formerly Invitae), Labcorp
Classification: Uncertain significance for Hereditary nonpolyposis colorectal neoplasms. Last evaluated: 2023-11-21. Review status: criteria provided, single submitter. Criteria: Invitae Variant Classification Sherloc (09022015). Collection method: clinical testing. Allele origin: germline.
Comment: This sequence change replaces valine, which is neutral and non-polar, with isoleucine, which is neutral and non-polar, at codon 858 of the PMS2 protein (p.Val858Ile). The frequency data for this variant in the population databases (gnomAD) is considered unreliable due to the presence of homologous sequence, such as pseudogenes or paralogs, in the genome. This variant has not been reported in the literature in individuals affected with PMS2-related conditions. ClinVar contains an entry for this variant (Variation ID: 480327). Advanced modeling of protein sequence and biophysical properties (such as structural, functional, and spatial information, amino acid conservation, physicochemical variation, residue mobility, and thermodynamic stability) performed at Invitae indicates that this missense variant is not expected to disrupt PMS2 protein function with a negative predictive value of 80%. Algorithms developed to predict the effect of sequence changes on RNA splicing suggest that this variant may create or strengthen a splice site. In summary, the available evidence is currently insufficient to determine the role of this variant in disease. Therefore, it has been classified as a Variant of Uncertain Significance.

GeneDx
Classification: Uncertain significance. Last evaluated: 2023-03-13. Review status: criteria provided, single submitter. Criteria: GeneDx Variant Classification Process June 2021. Collection method: clinical testing. Allele origin: germline. Affected: yes.
Comment: Not observed at significant frequency in large population cohorts (gnomAD); In silico analysis supports that this missense variant does not alter protein structure/function; Has not been previously published as pathogenic or benign to our knowledge; This variant is associated with the following publications: (PMID: Fukui2011[Chapter])